The following is an entry in ClinVar:

ClinVar aggregate classification (germline): Uncertain significance (1 of 4 stars; one submission).

Submission:

Women's Health and Genetics/Laboratory Corporation of America, LabCorp
Classification: Uncertain significance. Last evaluated: 2023-07-19. Review status: criteria provided, single submitter. Criteria: LabCorp Variant Classification Summary - May 2015. Collection method: clinical testing. Allele origin: germline.
Comment: Variant summary: BSND c.-42_-1dup is located in the untranslated mRNA region upstream of the initiation codon. Computational tools predict no significant impact on normal splicing. However, these predictions have yet to be confirmed by functional studies. The variant was absent in 151830 control chromosomes (gnomAD v3.1.2). The available data on variant occurrences in the general population are insufficient to allow any conclusion about variant significance. To our knowledge, no occurrence of c.-42_-1dup in individuals affected with Bartter Syndrome, Type 4a and no experimental evidence demonstrating its impact on protein function have been reported. No submitters have reported clinical-significance assessments for this variant to ClinVar after 2014. Based on the evidence outlined above, the variant was classified as uncertain significance.

NM_057176.3(BSND):c.-42_-1dup

Gene: BSND (barttin CLCNK type accessory subunit beta; plus strand). Cytogenetic location: 1p32.3.
Variant type: Duplication.
Coding change: c.-42_-1dup on transcript NM_057176.3 (MANE Select); 42 bases upstream of the start codon through 1 bases upstream of the start codon, 42 bases duplicated.
Molecular consequence: inframe insertion.
Genome position (GRCh38, 1-based): chr1:54,999,145-54,999,186, 42 bases duplicated; duplicating any 42 consecutive bases within chr1:54,999,143-54,999,186 gives the same sequence; the c. name uses the placement nearest the transcript's 3' end. GRCh37 (hg19): chr1:55,464,818-55,464,859.
Identifiers: ClinVar variation 2577180 (VCV002577180.1), dbSNP rs2523062672, ClinGen allele CA2580612929.